The following is an entry in ClinVar:

NM_004211.5(SLC6A5):c.2017C>G (p.Pro673Ala)

Gene: SLC6A5 (solute carrier family 6 member 5; plus strand). Cytogenetic location: 11p15.1.
Variant type: single nucleotide variant.
Coding change: c.2017C>G on transcript NM_004211.5 (MANE Select); coding-DNA position 2017, C replaced by G.
Protein change: p.Pro673Ala; replaces proline 673 with alanine.
Molecular consequence: missense variant.
Genome position (GRCh38, 1-based): chr11:20,646,881, C>G. VCF-style: chr11-20646881-C-G. GRCh37 (hg19) VCF-style: chr11-20668427-C-G.
Other names: c.1315C>G, p.Pro439Ala (NM_001318369.2); short protein forms P439A, P673A.
Identifiers: ClinVar variation 2096613 (VCV002096613.4), dbSNP rs2494184560, ClinGen allele CA379919484.

ClinVar aggregate classification (germline): Uncertain significance (1 of 4 stars; one submission).

Conditions:
Hyperekplexia 3 (HKPX3). Also called: HYPEREKPLEXIA 3, AUTOSOMAL RECESSIVE; HYPEREKPLEXIA 3, AUTOSOMAL DOMINANT. Identifiers: Orphanet 3197, MedGen C3553288, MONDO:0013827, OMIM 614618.

Submission:

Labcorp Genetics (formerly Invitae), Labcorp
Classification: Uncertain significance for Hyperekplexia 3. Last evaluated: 2023-08-24. Review status: criteria provided, single submitter. Criteria: Invitae Variant Classification Sherloc (09022015). Collection method: clinical testing. Allele origin: germline.
Comment: In summary, the available evidence is currently insufficient to determine the role of this variant in disease. Therefore, it has been classified as a Variant of Uncertain Significance. Advanced modeling of protein sequence and biophysical properties (such as structural, functional, and spatial information, amino acid conservation, physicochemical variation, residue mobility, and thermodynamic stability) has been performed at Invitae for this missense variant, however the output from this modeling did not meet the statistical confidence thresholds required to predict the impact of this variant on SLC6A5 protein function. ClinVar contains an entry for this variant (Variation ID: 2096613). This variant has not been reported in the literature in individuals affected with SLC6A5-related conditions. This variant is not present in population databases (gnomAD no frequency). This sequence change replaces proline, which is neutral and non-polar, with alanine, which is neutral and non-polar, at codon 673 of the SLC6A5 protein (p.Pro673Ala).